The following is an entry in ClinVar:

NM_000784.4(CYP27A1):c.69C>T (p.His23=)

Gene: CYP27A1 (cytochrome P450 family 27 subfamily A member 1; plus strand). Cytogenetic location: 2q35.
Variant type: single nucleotide variant.
Coding change: c.69C>T on transcript NM_000784.4 (MANE Select); coding-DNA position 69, C replaced by T.
Protein change: p.His23=; no amino-acid change (histidine 23 retained).
Molecular consequence: synonymous variant.
Genome position (GRCh38, 1-based): chr2:218,782,251, C>T. VCF-style: chr2-218782251-C-T. GRCh37 (hg19) VCF-style: chr2-219646974-C-T.
Identifiers: ClinVar variation 1677027 (VCV001677027.30), dbSNP rs1444634924, ClinGen allele CA431413898.

ClinVar aggregate classification (germline): Likely benign. Review status: criteria provided, multiple submitters, no conflicts (2 of 4 stars). 4 submissions from 4 submitters: Likely benign (4). Last evaluated 2026-05-01.

Conditions:
Cholestanol storage disease (CTX). Also called: Cerebrotendinous Xanthomatosis; CEREBRAL CHOLESTERINOSIS; CTX: Cerebrotendinous xanthomatosis. Identifiers: Orphanet 909, MedGen C0238052, MONDO:0008948, OMIM 213700.
Cardiovascular phenotype. Identifiers: MedGen CN230736.

Allele frequency attached by ClinVar (database versions not stated): gnomAD exomes 0.00001.
gnomAD v4.1: 2 of 1,554,016 alleles (0.00013%); highest among the groups gnomAD compares: East Asian, 0.0024%; no homozygotes.

Submissions (4):

CeGaT Center for Human Genetics Tuebingen
Classification: Likely benign. Last evaluated: 2026-05-01. Review status: criteria provided, single submitter. Criteria: CeGaT Center For Human Genetics Tuebingen Variant Classification Criteria Version 2. Collection method: clinical testing. Allele origin: germline. Affected: yes. Observed: 5 variant alleles.
Comment: CYP27A1: BP4, BP7

Labcorp Genetics (formerly Invitae), Labcorp
Classification: Likely benign for Cholestanol storage disease. Last evaluated: 2024-05-28. Review status: criteria provided, single submitter. Criteria: Invitae Variant Classification Sherloc (09022015). Collection method: clinical testing. Allele origin: germline.

Women's Health and Genetics/Laboratory Corporation of America, LabCorp
Classification: Likely benign. Last evaluated: 2022-03-07. Review status: criteria provided, single submitter. Criteria: LabCorp Variant Classification Summary - May 2015. Collection method: clinical testing. Allele origin: germline.
Comment: Variant summary: CYP27A1 c.69C>T alters a non-conserved nucleotide resulting in a synonymous change. 4/4 computational tools predict no significant impact on normal splicing. However, these predictions have yet to be confirmed by functional studies. The variant allele was found at a frequency of 6.5e-06 in 155006 control chromosomes. The available data on variant occurrences in the general population are insufficient to allow any conclusion about variant significance. To our knowledge, no occurrence of c.69C>T in individuals affected with Cerebrotendinous Xanthomatosis and no experimental evidence demonstrating its impact on protein function have been reported. No clinical diagnostic laboratories have submitted clinical-significance assessments for this variant to ClinVar after 2014. Based on the evidence outlined above, the variant was classified as likely benign.

Ambry Genetics
Classification: Likely benign for Cardiovascular phenotype. Last evaluated: 2021-11-19. Review status: criteria provided, single submitter. Criteria: Ambry Variant Classification Scheme 2023. Collection method: clinical testing. Allele origin: germline.